The following is an entry in ClinVar:

ClinVar aggregate classification (germline): Likely pathogenic (1 of 4 stars; one submission).

Conditions:
Dilated cardiomyopathy 1G (CMD1G). Identifiers: Orphanet 154, MedGen C1858763, MONDO:0011400, OMIM 604145.
Autosomal recessive limb-girdle muscular dystrophy type 2J (LGMDR10). Also called: Limb-girdle muscular dystrophy, type 2J; MUSCULAR DYSTROPHY, LIMB-GIRDLE, AUTOSOMAL RECESSIVE 10. Identifiers: Orphanet 140922, MedGen C1837342, MONDO:0012127, OMIM 608807.

Submission:

Labcorp Genetics (formerly Invitae), Labcorp
Classification: Likely pathogenic for Dilated cardiomyopathy 1G; Autosomal recessive limb-girdle muscular dystrophy type 2J. Last evaluated: 2025-05-22. Review status: criteria provided, single submitter. Criteria: Invitae Variant Classification Sherloc (09022015). Collection method: clinical testing. Allele origin: germline.
Comment: This sequence change creates a premature translational stop signal (p.Glu17440Lysfs*7) in the TTN gene. While this is not anticipated to result in nonsense mediated decay, it is expected to create a truncated TTN protein. This variant is not present in population databases (gnomAD no frequency). This variant has not been reported in the literature in individuals affected with TTN-related conditions. ClinVar contains an entry for this variant (Variation ID: 2948212). This variant is located in the A band of TTN (PMID: 25589632). Truncating variants in this region are significantly overrepresented in patients affected with dilated cardiomyopathy (PMID: 25589632). Truncating variants in this region have also been reported in individuals affected with autosomal recessive centronuclear myopathy (PMID: 23975875). In summary, the currently available evidence indicates that the variant is pathogenic, but additional data are needed to prove that conclusively. Therefore, this variant has been classified as Likely Pathogenic.

Literature cited by the submitters: PubMed 25589632; PubMed 23975875.

NM_001267550.2(TTN):c.52316_52317dup (p.Glu17440fs)

Genes: TTN (titin; minus strand), TTN-AS1 (TTN antisense RNA 1; plus strand). Cytogenetic location: 2q31.2.
Variant type: Duplication.
Coding change: c.52316_52317dup on transcript NM_001267550.2 (MANE Select); coding-DNA positions 52316 to 52317, 2 bases duplicated (AA; older notation c.52316_52317dupAA).
Protein change: p.Glu17440fs; shifts the reading frame from glutamic acid 17440.
Molecular consequence: frameshift variant.
Genome position (GRCh38, 1-based): chr2:178,608,694-178,608,695, TT duplicated on the plus strand (AA on the coding strand, the reverse complement: TTN is on the minus strand); duplicating any 2 consecutive bases within chr2:178,608,694-178,608,697 gives the same sequence; the c. name uses the placement nearest the transcript's 3' end. VCF-style (leftmost placement, unchanged base first): chr2-178608693-C-CTT. GRCh37 (hg19) VCF-style: chr2-179473420-C-CTT.
Other names: c.47393_47394dup, p.Glu15799fs (NM_001256850.1); c.25121_25122dup, p.Glu8375fs (NM_003319.4); c.44612_44613dup, p.Glu14872fs (NM_133378.4); c.25496_25497dup, p.Glu8500fs (NM_133432.3); c.25697_25698dup, p.Glu8567fs (NM_133437.4); short protein forms E14872fs, E8375fs, E8567fs, E17440fs, E15799fs, E8500fs.
Identifiers: ClinVar variation 2948212 (VCV002948212.3), dbSNP rs2470351343, ClinGen allele CA2740096121.